The following is an entry in ClinVar:

ClinVar aggregate classification (germline): Pathogenic (1 of 4 stars; one submission).

Conditions:
15q11q13 microduplication syndrome. Also called: Chromosome 15q11-q13 duplication syndrome; DUPLICATION 15q11-q13 SYNDROME; 15q11.2-q13.1 Duplication Syndrome; Maternal 15q Duplication Syndrome. Identifiers: Orphanet 238446, MedGen C2675336, MONDO:0012081, OMIM 608636.

Submission:

Broad Center for Mendelian Genomics, Broad Institute of MIT and Harvard
Classification: Pathogenic for 15q11q13 microduplication syndrome. Last evaluated: 2023-05-01. Review status: criteria provided, single submitter. Criteria: ACMG/ClinGen CNV Guidelines, 2019. Collection method: research. Allele origin: germline. Inheritance: Autosomal dominant inheritance. Affected: yes.
Comment: These breakpoints have been called by exome sequencing only and therefore may not reflect the true breakpoints. The patient phenotype is nonspecific, but is consistent with cases described in the literature and/or published databases with overlapping variants. A duplication with similar genetic overlap has been reported in ClinVar (Variation ID: 545171) and has been interpreted as pathogenic by the Nagoya University Department of Psychiatry. There is near complete overlap with the 15q11.2q13 recurrent (PWS/AS) region (Class 1, BP1-BP3) and the 15q11.2q13 recurrent (PWS/AS) region (Class 2,BP2-BP3) which are known to be triplosensitive and have been assessed by the ClinGen Dosage Sensitivity Working Group. A similar duplication has been identified in 0.03% (3/9534) of African/African American chromosomes by the Genome Aggregation Database (gnomAD; Structural variant: DUP_15_3959). Although a duplication of genetic content similar to this CNV has been seen in the general population in a heterozygous state, its frequency is not high enough to rule out a pathogenic role. In summary, this variant meets criteria to be classified as pathogenic for autosomal dominant chromosome 15q11-q13 duplication syndrome. The ACMG/ClinGen evidence codes and points used in this curation are as follows: 1: 0 points, 2: 1 points, 3: 0 points, 4-5: 0.15 points Total; 1.15 points; Riggs 2020 (PMID: 31690835).

Single allele

Genes: NDN (necdin, MAGE family member; minus strand), NPAP1 (nuclear pore associated protein 1; plus strand), OCA2 (OCA2 melanosomal transmembrane protein; minus strand), SNORD116-6 (small nucleolar RNA, C/D box 116-6; plus strand), SNORD116-7 (small nucleolar RNA, C/D box 116-7; plus strand) and 136 more. Cytogenetic location: 15q11.2-13.1.
Variant type: Duplication.
Identifiers: ClinVar variation 4819225 (VCV004819225.1).